The following is an entry in ClinVar:

NM_032638.5(GATA2):c.1360C>A (p.Pro454Thr)

Gene: GATA2 (GATA binding protein 2; minus strand). Cytogenetic location: 3q21.3.
Variant type: single nucleotide variant.
Coding change: c.1360C>A on transcript NM_032638.5 (MANE Select); coding-DNA position 1360, C replaced by A.
Protein change: p.Pro454Thr; replaces proline 454 with threonine.
Molecular consequence: missense variant.
Genome position (GRCh38, 1-based): chr3:128,481,102, G>T on the plus strand (C>A on the coding strand, the complement: GATA2 is on the minus strand). VCF-style: chr3-128481102-G-T. GRCh37 (hg19) VCF-style: chr3-128199945-G-T.
Other names: c.1360C>A, p.Pro454Thr (NM_001145661.2); c.1318C>A, p.Pro440Thr (NM_001145662.1); c.1360C>A (NM_001145661.1); short protein forms P440T, P454T.
Identifiers: ClinVar variation 1467858 (VCV001467858.7), dbSNP rs774297463, ClinGen allele CA354412638.

ClinVar aggregate classification (germline): Uncertain significance. Review status: criteria provided, multiple submitters, no conflicts (2 of 4 stars). 2 submissions from 2 submitters: Uncertain significance (2). Last evaluated 2026-07-07.

Conditions:
Deafness-lymphedema-leukemia syndrome. Also called: Emberger syndrome; Lymphedema, primary, with myelodysplasia. Identifiers: Orphanet 3226, MedGen C3279664, MONDO:0013540, OMIM 614038.
Monocytopenia with susceptibility to infections. Also called: IMMUNODEFICIENCY 21; GATA2 DEFICIENCY; MONOCYTOPENIA AND MYCOBACTERIAL INFECTION SYNDROME; MONOCYTOPENIA WITH SUSCEPTIBILITY TO MYCOBACTERIAL, FUNGAL, AND PAPILLOMAVIRUS INFECTIONS AND MYELODYSPLASIA; COMBINED IMMUNODEFICIENCY WITH SUSCEPTIBILITY TO MYCOBACTERIAL, VIRAL, AND FUNGAL INFECTIONS; Dendritic cell, monocyte, B lymphocyte, and natural killer lymphocyte deficiency. Identifiers: Orphanet 228423, MedGen C3280030, MONDO:0013607, OMIM 614172.
Inborn genetic diseases. Identifiers: MedGen C0950123, MeSH D030342.

Submissions (2):

Ambry Genetics
Classification: Uncertain significance for Inborn genetic diseases. Last evaluated: 2026-07-07. Review status: criteria provided, single submitter. Criteria: Ambry Variant Classification Scheme 2023. Collection method: clinical testing. Allele origin: germline.
Comment: The p.P454T variant (also known as c.1360C>A), located in coding exon 5 of the GATA2 gene, results from a C to A substitution at nucleotide position 1360. The proline at codon 454 is replaced by threonine, an amino acid with highly similar properties. This amino acid position is conserved. In addition, the in silico prediction for this alteration is inconclusive. Based on the available evidence, the clinical significance of this variant remains unclear.

Labcorp Genetics (formerly Invitae), Labcorp
Classification: Uncertain significance for Monocytopenia with susceptibility to infections; Deafness-lymphedema-leukemia syndrome. Last evaluated: 2023-06-27. Review status: criteria provided, single submitter. Criteria: Invitae Variant Classification Sherloc (09022015). Collection method: clinical testing. Allele origin: germline.
Comment: In summary, the available evidence is currently insufficient to determine the role of this variant in disease. Therefore, it has been classified as a Variant of Uncertain Significance. Advanced modeling of protein sequence and biophysical properties (such as structural, functional, and spatial information, amino acid conservation, physicochemical variation, residue mobility, and thermodynamic stability) has been performed at Invitae for this missense variant, however the output from this modeling did not meet the statistical confidence thresholds required to predict the impact of this variant on GATA2 protein function. ClinVar contains an entry for this variant (Variation ID: 1467858). This variant has not been reported in the literature in individuals affected with GATA2-related conditions. This variant is not present in population databases (gnomAD no frequency). This sequence change replaces proline, which is neutral and non-polar, with threonine, which is neutral and polar, at codon 454 of the GATA2 protein (p.Pro454Thr).